The following is an entry in ClinVar:

ClinVar aggregate classification (germline): Pathogenic/Likely pathogenic. Review status: criteria provided, multiple submitters, no conflicts (2 of 4 stars). 2 submissions from 2 submitters: Pathogenic (1); Likely pathogenic (1). Last evaluated 2023-03-30.

Conditions:
Generalized dominant dystrophic epidermolysis bullosa (DDEB). Also called: Dominant DEB (DDEB); DDEB, generalized; DDEB-gen; DYSTROPHIC EPIDERMOLYSIS BULLOSA, AUTOSOMAL DOMINANT; Epidermolysis bullosa dystrophica, autosomal dominant. Identifiers: Orphanet 231568, MedGen C0432322, MONDO:0007549, OMIM 131750.

Submissions (2):

Molecular Genetics, Royal Melbourne Hospital
Classification: Likely pathogenic for Generalized dominant dystrophic epidermolysis bullosa. Last evaluated: 2023-03-30. Review status: criteria provided, single submitter. Criteria: ACMG Guidelines, 2015. Collection method: clinical testing. Allele origin: germline. Affected: yes.
Comment: This sequence change in COL7A1 is predicted to replace glycine with glutamic acid at codon 2043, p.(Gly2043Glu). The glycine residue is highly conserved (93/94 vertebrates, UCSC), and alters a critical glycine residue in a collagen triple-helix repeat (Gly-X-Y); glycine substitutions within this domain have a well-established pathogenic dominant-negative effect (PMID 16971468). There is a moderate (98) physicochemical difference between glycine and glutamic acid. This variant is absent from the population database gnomAD v2.1/3.1, and has been reported in at least two probands with clinical features of DDEB (PMID: 26039182; Royal Melbourne Hosptial). Multiple lines of computational evidence predict a deleterious effect for the missense substitution (5/6 algorithms). Another missense variant (c.6127G>A, p.Gly2043Arg) in the same codon has been reported as pathogenic in multiple patients with DDEB (PMIDs 7861014 and 16971478, ClinVar Variation ID VCV000017438.31). Based on the classification scheme RMH Modified ACMG Guidelines v1.5.1, this variant is classified as LIKELY PATHOGENIC. Following criteria are met: PM1, PM2_Supporting, PM5, PP3, PS4_Moderate.

CeGaT Center for Human Genetics Tuebingen
Classification: Pathogenic. Last evaluated: 2022-04-01. Review status: criteria provided, single submitter. Criteria: CeGaT Center For Human Genetics Tuebingen Variant Classification Criteria Version 2. Collection method: clinical testing. Allele origin: germline. Affected: yes. Observed: 1 variant allele.
Comment: COL7A1: PM1:Strong, PM2, PM5, PP3, PP4, PS4:Supporting

Literature cited by the submitters: PubMed 16971468 (cited by Molecular Genetics, Royal Melbourne Hospital); PubMed 26039182 (cited by Molecular Genetics, Royal Melbourne Hospital).

NM_000094.4(COL7A1):c.6128G>A (p.Gly2043Glu)

Gene: COL7A1 (collagen type VII alpha 1 chain; minus strand). Cytogenetic location: 3p21.31.
Variant type: single nucleotide variant.
Coding change: c.6128G>A on transcript NM_000094.4 (MANE Select); coding-DNA position 6128, G replaced by A.
Protein change: p.Gly2043Glu; replaces glycine 2043 with glutamic acid.
Molecular consequence: missense variant.
Genome position (GRCh38, 1-based): chr3:48,575,391, C>T on the plus strand (G>A on the coding strand, the complement: COL7A1 is on the minus strand). VCF-style: chr3-48575391-C-T. GRCh37 (hg19) VCF-style: chr3-48612824-C-T.
Other names: short protein forms G2043E.
Identifiers: ClinVar variation 1695074 (VCV001695074.31), dbSNP rs2107674192, ClinGen allele CA352663066.